The following is an entry in ClinVar:

NM_006059.4(LAMC3):c.1366G>A (p.Gly456Ser)

Gene: LAMC3 (laminin subunit gamma 3; plus strand). Cytogenetic location: 9q34.12.
Variant type: single nucleotide variant.
Coding change: c.1366G>A on transcript NM_006059.4 (MANE Select); coding-DNA position 1366, G replaced by A.
Protein change: p.Gly456Ser; replaces glycine 456 with serine.
Molecular consequence: missense variant.
Genome position (GRCh38, 1-based): chr9:131,041,719, G>A. VCF-style: chr9-131041719-G-A. GRCh37 (hg19) VCF-style: chr9-133917106-G-A.
Other names: short protein forms G456S.
Identifiers: ClinVar variation 2051945 (VCV002051945.4), dbSNP rs1317071767, ClinGen allele CA375260592.

ClinVar aggregate classification (germline): Uncertain significance (1 of 4 stars; one submission).

Allele frequency attached by ClinVar (database versions not stated): gnomAD 0.00002; TOPMed 0.00001.
gnomAD v4.1: 4 of 1,613,630 alleles (0.00025%); highest among the groups gnomAD compares: African/African-American, 0.004%; no homozygotes.

Submission:

Labcorp Genetics (formerly Invitae), Labcorp
Classification: Uncertain significance. Last evaluated: 2022-11-16. Review status: criteria provided, single submitter. Criteria: Invitae Variant Classification Sherloc (09022015). Collection method: clinical testing. Allele origin: germline.
Comment: This sequence change replaces glycine, which is neutral and non-polar, with serine, which is neutral and polar, at codon 456 of the LAMC3 protein (p.Gly456Ser). This variant is present in population databases (no rsID available, gnomAD 0.01%). This variant has not been reported in the literature in individuals affected with LAMC3-related conditions. Algorithms developed to predict the effect of missense changes on protein structure and function (SIFT, PolyPhen-2, Align-GVGD) all suggest that this variant is likely to be disruptive. In summary, the available evidence is currently insufficient to determine the role of this variant in disease. Therefore, it has been classified as a Variant of Uncertain Significance.